The following is an entry in ClinVar:

NM_006073.4(TRDN):c.2T>C (p.Met1Thr)

Gene: TRDN (triadin; minus strand). Cytogenetic location: 6q22.31.
Variant type: single nucleotide variant.
Coding change: c.2T>C on transcript NM_006073.4 (MANE Select); coding-DNA position 2, T replaced by C.
Protein change: p.Met1Thr; changes the start codon (methionine 1).
Molecular consequence: missense variant, initiator codon variant.
Genome position (GRCh38, 1-based): chr6:123,636,774, A>G on the plus strand (T>C on the coding strand, the complement: TRDN is on the minus strand). VCF-style: chr6-123636774-A-G. GRCh37 (hg19) VCF-style: chr6-123957919-A-G.
Other names: c.2T>C, p.Met1Thr (NM_001251987.2, NM_001256020.2, NM_001256021.2 and 2 more transcripts); short protein forms M1T.
Identifiers: ClinVar variation 1798674 (VCV001798674.8), dbSNP rs1209337990, ClinGen allele CA365568008.

ClinVar aggregate classification (germline): Pathogenic. Review status: criteria provided, multiple submitters, no conflicts (2 of 4 stars). 2 submissions from 2 submitters: Pathogenic (2). Last evaluated 2022-07-12.

Conditions:
Catecholaminergic polymorphic ventricular tachycardia 1. Also called: VENTRICULAR TACHYCARDIA, CATECHOLAMINERGIC POLYMORPHIC, 1, WITH OR WITHOUT ATRIAL DYSFUNCTION AND/OR DILATED CARDIOMYOPATHY; RYR2-Related Catecholaminergic Polymorphic Ventricular Tachycardia; VENTRICULAR TACHYCARDIA, STRESS-INDUCED POLYMORPHIC 1. Identifiers: Orphanet 3286, MedGen C1631597, MONDO:0011484, OMIM 604772.
Cardiovascular phenotype. Identifiers: MedGen CN230736.

Submissions (2):

Labcorp Genetics (formerly Invitae), Labcorp
Classification: Pathogenic for Catecholaminergic polymorphic ventricular tachycardia 1. Last evaluated: 2022-07-12. Review status: criteria provided, single submitter. Criteria: Invitae Variant Classification Sherloc (09022015). Collection method: clinical testing. Allele origin: germline.
Comment: This sequence change affects the initiator methionine of the TRDN mRNA. The next in-frame methionine is located at codon 67. This variant is not present in population databases (gnomAD no frequency). For these reasons, this variant has been classified as Pathogenic. This variant disrupts a region of the TRDN protein in which other variant(s) (p.Thr59Met) have been determined to be pathogenic (PMID: 22422768, 30649896; Invitae). This suggests that this is a clinically significant region of the protein, and that variants that disrupt it are likely to be disease-causing. This variant has not been reported in the literature in individuals affected with TRDN-related conditions.

Ambry Genetics
Classification: Pathogenic for Cardiovascular phenotype. Last evaluated: 2020-09-29. Review status: criteria provided, single submitter. Criteria: Ambry Variant Classification Scheme 2023. Collection method: clinical testing. Allele origin: germline.
Comment: The p.M1? pathogenic mutation (also known as c.2T>C) is located in coding exon 1 of the TRDN gene and results from a T to C substitution at nucleotide position 2. This alters the methionine residue at the initiation codon (ATG). Sequence variations that modify the initiation codon are expected to result in loss of function due to loss of translation initiation, N-terminal truncation, or a shift in the mRNA reading frame. As such, this alteration is interpreted as a disease-causing mutation.

Literature cited by the submitters: PubMed 22422768 (cited by Labcorp Genetics (formerly Invitae), Labcorp); PubMed 30649896 (cited by Labcorp Genetics (formerly Invitae), Labcorp).